The following is an entry in ClinVar:

ClinVar aggregate classification (germline): Uncertain significance (1 of 4 stars; one submission).

gnomAD v4.1: 2 of 1,609,502 alleles (0.00012%); highest among the groups gnomAD compares: Admixed American, 0.0017%; no homozygotes.

Submissions (3):

Labcorp Genetics (formerly Invitae), Labcorp
Classification: Uncertain significance. Last evaluated: 2022-01-18. Review status: criteria provided, single submitter. Criteria: Invitae Variant Classification Sherloc (09022015). Collection method: clinical testing. Allele origin: germline.
Comment: In summary, the available evidence is currently insufficient to determine the role of this variant in disease. Therefore, it has been classified as a Variant of Uncertain Significance. Algorithms developed to predict the effect of sequence changes on RNA splicing suggest that this variant may create or strengthen a splice site. Algorithms developed to predict the effect of missense changes on protein structure and function are either unavailable or do not agree on the potential impact of this missense change (SIFT: "Deleterious"; PolyPhen-2: "Benign"; Align-GVGD: "Class C0"). This variant has not been reported in the literature in individuals affected with SKIV2L-related conditions. This variant is present in population databases (no rsID available, gnomAD 0.003%). This sequence change replaces arginine, which is basic and polar, with serine, which is neutral and polar, at codon 551 of the SKIV2L protein (p.Arg551Ser).

Dr. Peter K. Rogan Lab, Western University
No classification provided (evidence only). Condition: Thyroid cancer, nonmedullary, 1. Review status: no classification provided. Collection method: in vitro. Allele origin: not applicable. Functional consequence: retained intron. Not counted in ClinVar's aggregate classification.

Dr. Peter K. Rogan Lab, Western University
No classification provided (evidence only). Condition: Thyroid cancer, nonmedullary, 1. Review status: no classification provided. Collection method: in vitro. Allele origin: not applicable. Functional consequence: retained intron. Not counted in ClinVar's aggregate classification.

NM_006929.5(SKIC2):c.1651C>A (p.Arg551Ser)

Gene: SKIC2 (SKI2 subunit of superkiller complex; plus strand). Cytogenetic location: 6p21.33.
Variant type: single nucleotide variant.
Coding change: c.1651C>A on transcript NM_006929.5 (MANE Select); coding-DNA position 1651, C replaced by A.
Protein change: p.Arg551Ser; replaces arginine 551 with serine.
Molecular consequence: missense variant.
Genome position (GRCh38, 1-based): chr6:31,963,916, C>A. VCF-style: chr6-31963916-C-A. GRCh37 (hg19) VCF-style: chr6-31931693-C-A.
Other names: short protein forms R551S.
Identifiers: ClinVar variation 2087588 (VCV002087588.5), dbSNP rs775680687, ClinGen allele CA363460181.